The following is an entry in ClinVar:

NM_198173.3(GRHL3):c.1708A>G (p.Met570Val)

Gene: GRHL3 (grainyhead like transcription factor 3; plus strand). Cytogenetic location: 1p36.11.
Variant type: single nucleotide variant.
Coding change: c.1708A>G on transcript NM_198173.3 (MANE Select); coding-DNA position 1708, A replaced by G.
Protein change: p.Met570Val; replaces methionine 570 with valine.
Molecular consequence: missense variant. On other transcripts: intron variant (1).
Genome position (GRCh38, 1-based): chr1:24,354,387, A>G. VCF-style: chr1-24354387-A-G. GRCh37 (hg19) VCF-style: chr1-24680877-A-G.
Other names: c.1570A>G, p.Met524Val (NM_001195010.2); c.1723A>G, p.Met575Val (NM_021180.4); c.1694+4265A>G (NM_198174.3); short protein forms M524V, M570V, M575V.
Identifiers: ClinVar variation 2635217 (VCV002635217.1), dbSNP rs1640632554, ClinGen allele CA339049773.

ClinVar aggregate classification (germline): Uncertain significance (1 of 4 stars; one submission).

Conditions:
GRHL3-related disorder. Also called: GRHL3-related condition.

Allele frequency attached by ClinVar (database versions not stated): gnomAD 0.00001.
gnomAD v4.1: 1 of 1,612,730 alleles (0.000062%); highest among the groups gnomAD compares: African/African-American, 0.0013%; no homozygotes.

Submission:

PreventionGenetics, part of Exact Sciences
Classification: Uncertain significance for GRHL3-related condition. Last evaluated: 2022-12-05. Review status: criteria provided, single submitter. Criteria: ACMG Guidelines, 2015. Collection method: clinical testing. Allele origin: germline.
Comment: The GRHL3 c.1708A>G variant is predicted to result in the amino acid substitution p.Met570Val. To our knowledge, this variant has not been reported in the literature or in a large population database, indicating this variant is rare. At this time, the clinical significance of this variant is uncertain due to the absence of conclusive functional and genetic evidence.